The following is an entry in ClinVar:

ClinVar aggregate classification (germline): Uncertain significance. Review status: criteria provided, multiple submitters, no conflicts (2 of 4 stars). 3 submissions from 3 submitters: Uncertain significance (3). Last evaluated 2023-06-16.

Conditions:
Inborn genetic diseases. Identifiers: MedGen C0950123, MeSH D030342.

Allele frequency attached by ClinVar (database versions not stated): ExAC 0.00003; TOPMed 0.00007; gnomAD exomes 0.00001 and 0.00003; gnomAD 0.00006.
gnomAD v4.1: 30 of 1,614,056 alleles (0.0019%); highest among the groups gnomAD compares: African/African-American, 0.017%; no homozygotes.

Submissions (3):

Ambry Genetics
Classification: Uncertain significance for Inborn genetic diseases. Last evaluated: 2023-06-16. Review status: criteria provided, single submitter. Criteria: Ambry Variant Classification Scheme 2023. Collection method: clinical testing. Allele origin: germline.

Labcorp Genetics (formerly Invitae), Labcorp
Classification: Uncertain significance. Last evaluated: 2021-11-11. Review status: criteria provided, single submitter. Criteria: Invitae Variant Classification Sherloc (09022015). Collection method: clinical testing. Allele origin: germline.
Comment: In summary, the available evidence is currently insufficient to determine the role of this variant in disease. Therefore, it has been classified as a Variant of Uncertain Significance. Algorithms developed to predict the effect of missense changes on protein structure and function output the following: SIFT: "Tolerated"; PolyPhen-2: "Benign"; Align-GVGD: "Class C0". The glutamine amino acid residue is found in multiple mammalian species, which suggests that this missense change does not adversely affect protein function. ClinVar contains an entry for this variant (Variation ID: 382539). This variant has not been reported in the literature in individuals affected with ALAD-related conditions. This variant is present in population databases (rs370504714, gnomAD 0.03%). This sequence change replaces arginine, which is basic and polar, with glutamine, which is neutral and polar, at codon 90 of the ALAD protein (p.Arg90Gln).

GeneDx
Classification: Uncertain significance. Last evaluated: 2016-01-13. Review status: criteria provided, single submitter. Criteria: GeneDx Variant Classification (06012015). Collection method: clinical testing. Allele origin: germline. Affected: yes.
Comment: The R90Q variant in the ALAD gene has not been reported previously as a pathogenic variant, nor as a benign variant, to our knowledge. Data from control individuals in the 1000 Genomes Project and the NHBI Exome Sequencing Project were not available to assess whether the R90Q variant may be a common benign variant in the general population; however, this variant has not been detected previously in the internal database at GeneDx. The R90Q variant is a semi-conservative amino acid substitution, which may impact secondary protein structure as these residues differ in some properties. This substitution occurs at a position that is not conserved. In silico analysis is inconsistent in its predictions as to whether or not the variant is damaging to the protein structure/function. A missense variant in nearby residue (E89K) has been reported in the Human Gene Mutation Database in association with acute intermittent porphyria (Stenson et al., 2014), supporting the functional importance of this region of the protein. We interpret R90Q as a variant of uncertain significance.

NM_000031.6(ALAD):c.269G>A (p.Arg90Gln)

Gene: ALAD (aminolevulinate dehydratase; minus strand). Cytogenetic location: 9q32.
Variant type: single nucleotide variant.
Coding change: c.269G>A on transcript NM_000031.6 (MANE Select); coding-DNA position 269, G replaced by A.
Protein change: p.Arg90Gln; replaces arginine 90 with glutamine.
Molecular consequence: missense variant.
Genome position (GRCh38, 1-based): chr9:113,390,926, C>T on the plus strand (G>A on the coding strand, the complement: ALAD is on the minus strand). VCF-style: chr9-113390926-C-T. GRCh37 (hg19) VCF-style: chr9-116153206-C-T.
Other names: c.356G>A, p.Arg119Gln (NM_001003945.3); c.245G>A, p.Arg82Gln (NM_001317745.2); short protein forms R90Q, R82Q, R119Q.
Identifiers: ClinVar variation 382539 (VCV000382539.11), dbSNP rs370504714, ClinGen allele CA5196537.